The following is an entry in ClinVar:

ClinVar aggregate classification (germline): Benign. Review status: criteria provided, multiple submitters, no conflicts (2 of 4 stars). 3 submissions from 3 submitters: Benign (2). 1 of the submissions does not count toward it. Last evaluated 2021-11-07.

Conditions:
SCAPER-related disorder. Also called: SCAPER-related condition.
Intellectual developmental disorder and retinitis pigmentosa; IDDRP. Also called: INTELLECTUAL DEVELOPMENTAL DISORDER AND RETINITIS PIGMENTOSA. Identifiers: MedGen C4748658, MONDO:0032594, OMIM 618195.

Allele frequency attached by ClinVar (database versions not stated): ESP Exome Variant Server 0.25224; gnomAD 0.26828 and 0.28116; TOPMed 0.27155; gnomAD exomes 0.33745 and 0.35354; 1000 Genomes Project 30x 0.34463; ExAC 0.35038; 1000 Genomes Project 0.35603.
gnomAD v4.1: 536,480 of 1,613,534 alleles (33%); highest among the groups gnomAD compares: East Asian, 58%; 94,199 homozygotes.

Submissions (3):

Genome-Nilou Lab
Classification: Benign for Intellectual developmental disorder and retinitis pigmentosa; IDDRP. Last evaluated: 2021-11-07. Review status: criteria provided, single submitter. Criteria: ACMG Guidelines, 2015. Collection method: clinical testing. Allele origin: germline. Affected: no.

Breakthrough Genomics
Classification: Benign. Review status: criteria provided, single submitter. Criteria: ACMG Guidelines, 2015. Collection method: not provided. Allele origin: germline. Inheritance: Autosomal recessive inheritance. Affected: yes.

PreventionGenetics, part of Exact Sciences
Classification: Benign for SCAPER-related condition. Last evaluated: 2019-10-17. Review status: no assertion criteria provided. Collection method: clinical testing. Allele origin: germline. Not counted in ClinVar's aggregate classification.
Comment: This variant is classified as benign based on ACMG/AMP sequence variant interpretation guidelines (Richards et al. 2015 PMID: 25741868, with internal and published modifications).

NM_020843.4(SCAPER):c.3265C>A (p.Pro1089Thr)

Genes: SCAPER (S-phase cyclin A associated protein in the ER; minus strand), LOC126862183 (BRD4-independent group 4 enhancer GRCh37_chr15:76726060-76727259; plus strand). Cytogenetic location: 15q24.3.
Variant type: single nucleotide variant.
Coding change: c.3265C>A on transcript NM_020843.4 (MANE Select); coding-DNA position 3265, C replaced by A.
Protein change: p.Pro1089Thr; replaces proline 1089 with threonine.
Molecular consequence: missense variant. On other transcripts: non-coding transcript variant (1).
Genome position (GRCh38, 1-based): chr15:76,434,124, G>T on the plus strand (C>A on the coding strand, the complement: SCAPER is on the minus strand). VCF-style: chr15-76434124-G-T. GRCh37 (hg19) VCF-style: chr15-76726465-G-T.
Other names: c.2527C>A, p.Pro843Thr (NM_001145923.2); c.3283C>A, p.Pro1095Thr (NM_001353009.2); c.2863C>A, p.Pro955Thr (NM_001353010.2, NM_001353012.2); c.2881C>A, p.Pro961Thr (NM_001353011.2); c.3283C>A (NM_001353009.1); short protein forms P1089T, P1095T, P843T, P955T, P961T.
Identifiers: ClinVar variation 1327981 (VCV001327981.5), dbSNP rs1607017, ClinGen allele CA7674491.